The following is an entry in ClinVar:

NM_002471.4(MYH6):c.5096G>T (p.Arg1699Leu)

Genes: MYH6 (myosin heavy chain 6; minus strand), LOC126861896 (BRD4-independent group 4 enhancer GRCh37_chr14:23854904-23856103; plus strand). Cytogenetic location: 14q11.2.
Variant type: single nucleotide variant.
Coding change: c.5096G>T on transcript NM_002471.4 (MANE Select); coding-DNA position 5096, G replaced by T.
Protein change: p.Arg1699Leu; replaces arginine 1699 with leucine.
Molecular consequence: missense variant.
Genome position (GRCh38, 1-based): chr14:23,385,995, C>A on the plus strand (G>T on the coding strand, the complement: MYH6 is on the minus strand). VCF-style: chr14-23385995-C-A. GRCh37 (hg19) VCF-style: chr14-23855204-C-A.
Other names: short protein forms R1699L.
Identifiers: ClinVar variation 1745298 (VCV001745298.2), dbSNP rs758526212, ClinGen allele CA388989699.

ClinVar aggregate classification (germline): Uncertain significance (1 of 4 stars; one submission).

Conditions:
Cardiovascular phenotype. Identifiers: MedGen CN230736.

gnomAD v4.1: 4 of 1,614,224 alleles (0.00025%); highest among the groups gnomAD compares: Non-Finnish European, 0.00034%; no homozygotes.

Submission:

Ambry Genetics
Classification: Uncertain significance for Cardiovascular phenotype. Last evaluated: 2019-06-21. Review status: criteria provided, single submitter. Criteria: Ambry Variant Classification Scheme 2023. Collection method: clinical testing. Allele origin: germline.
Comment: The p.R1699L variant (also known as c.5096G>T), located in coding exon 32 of the MYH6 gene, results from a G to T substitution at nucleotide position 5096. The arginine at codon 1699 is replaced by leucine, an amino acid with dissimilar properties, and is located in the myosin tail domain. An alternate amino acid substitution at this codon, p.R1699W, has been reported in an individual with dilated cardiomyopathy and in a sudden unexplained death case; however clinical details were not provided (Haskell GT et al. Circ Cardiovasc Genet, 2017 Jun;10:[Epub ahead of print]; Lin Y et al. Circ Cardiovasc Genet, 2017 Dec;10:[Epub ahead of print]). This amino acid position is well conserved in available vertebrate species. In addition, this alteration is predicted to be deleterious by in silico analysis. Since supporting evidence is limited at this time, the clinical significance of this alteration remains unclear.